The following is an entry in ClinVar:

NM_001614.5(ACTG1):c.1041C>G (p.Ala347=)

Gene: ACTG1 (actin gamma 1; minus strand). Cytogenetic location: 17q25.3.
Variant type: single nucleotide variant.
Coding change: c.1041C>G on transcript NM_001614.5 (MANE Select); coding-DNA position 1041, C replaced by G.
Protein change: p.Ala347=; no amino-acid change (alanine 347 retained).
Molecular consequence: synonymous variant. On other transcripts: non-coding transcript variant (1).
Genome position (GRCh38, 1-based): chr17:81,510,777, G>C on the plus strand (C>G on the coding strand, the complement: ACTG1 is on the minus strand). VCF-style: chr17-81510777-G-C. GRCh37 (hg19) VCF-style: chr17-79477803-G-C.
Other names: c.1041C>G (NM_001614.3); c.1041C>G, p.Ala347= (NM_001199954.3).
Identifiers: ClinVar variation 2946176 (VCV002946176.4), dbSNP rs375903517, ClinGen allele CA8835834.

ClinVar aggregate classification (germline): Likely benign. Review status: criteria provided, multiple submitters, no conflicts (2 of 4 stars). 2 submissions from 2 submitters: Likely benign (2). Last evaluated 2025-12-17.

Conditions:
Autosomal dominant nonsyndromic hearing loss 20. Identifiers: Orphanet 90635, MedGen C1858172, MONDO:0011480, OMIM 604717.
Baraitser-winter syndrome 2. Identifiers: Orphanet 2995, MedGen C3281235, MONDO:0013812, OMIM 614583.
ACTG1-related disorder. Also called: ACTG1-related condition; ACTG1-related disorders.

Allele frequency attached by ClinVar (database versions not stated): ESP Exome Variant Server 0.00015.

Submissions (2):

Labcorp Genetics (formerly Invitae), Labcorp
Classification: Likely benign for Baraitser-winter syndrome 2; Autosomal dominant nonsyndromic hearing loss 20. Last evaluated: 2025-12-17. Review status: criteria provided, single submitter. Criteria: Invitae Variant Classification Sherloc (09022015). Collection method: clinical testing. Allele origin: germline.

PreventionGenetics, part of Exact Sciences
Classification: Likely benign for ACTG1-related condition. Last evaluated: 2025-12-13. Review status: criteria provided, single submitter. Criteria: ACMG Guidelines, 2015. Collection method: clinical testing. Allele origin: germline.
Comment: This variant is classified as likely benign based on ACMG/AMP sequence variant interpretation guidelines (Richards et al. 2015 PMID: 25741868, with internal and published modifications).